The following is an entry in ClinVar:

NM_000760.4(CSF3R):c.2011G>A (p.Gly671Ser)

Gene: CSF3R (colony stimulating factor 3 receptor; minus strand). Cytogenetic location: 1p34.3.
Variant type: single nucleotide variant.
Coding change: c.2011G>A on transcript NM_000760.4 (MANE Select); coding-DNA position 2011, G replaced by A.
Protein change: p.Gly671Ser; replaces glycine 671 with serine.
Molecular consequence: missense variant.
Genome position (GRCh38, 1-based): chr1:36,467,259, C>T on the plus strand (G>A on the coding strand, the complement: CSF3R is on the minus strand). VCF-style: chr1-36467259-C-T. GRCh37 (hg19) VCF-style: chr1-36932860-C-T.
Other names: p.Gly671Ser; c.2011G>A, p.Gly671Ser (NM_156039.3, NM_172313.3); c.2011G>A (NM_000760.3); short protein forms G671S.
Identifiers: ClinVar variation 1512630 (VCV001512630.10), dbSNP rs1434097987, ClinGen allele CA339416356.

ClinVar aggregate classification (germline): Uncertain significance. Review status: criteria provided, multiple submitters, no conflicts (2 of 4 stars). 3 submissions from 3 submitters: Uncertain significance (3). Last evaluated 2025-07-12.

Conditions:
Autosomal recessive severe congenital neutropenia due to CSF3R deficiency. Also called: Neutropenia, severe congenital, 7, autosomal recessive. Identifiers: Orphanet 420702, MedGen C4310764, MONDO:0014865, OMIM 617014.
Inborn genetic diseases. Identifiers: MedGen C0950123, MeSH D030342.

Allele frequency attached by ClinVar (database versions not stated): gnomAD exomes 0.00001; TOPMed 0.00003; gnomAD 0.00006.
gnomAD v4.1: 12 of 1,614,084 alleles (0.00074%); highest among the groups gnomAD compares: Admixed American, 0.018%; no homozygotes.

Submissions (3):

Ambry Genetics
Classification: Uncertain significance for Inborn genetic diseases. Last evaluated: 2025-07-12. Review status: criteria provided, single submitter. Criteria: Ambry Variant Classification Scheme 2023. Collection method: clinical testing. Allele origin: germline.

Mayo Clinic Laboratories, Mayo Clinic
Classification: Uncertain significance. Last evaluated: 2024-02-16. Review status: criteria provided, single submitter. Criteria: ACMG Guidelines, 2015. Collection method: clinical testing. Allele origin: germline. Observed: 1 variant allele.
Comment: BP4

Labcorp Genetics (formerly Invitae), Labcorp
Classification: Uncertain significance for Autosomal recessive severe congenital neutropenia due to CSF3R deficiency. Last evaluated: 2021-01-29. Review status: criteria provided, single submitter. Criteria: Invitae Variant Classification Sherloc (09022015). Collection method: clinical testing. Allele origin: germline.
Comment: In summary, the available evidence is currently insufficient to determine the role of this variant in disease. Therefore, it has been classified as a Variant of Uncertain Significance. Algorithms developed to predict the effect of missense changes on protein structure and function output the following: SIFT: "Tolerated"; PolyPhen-2: "Possibly Damaging"; Align-GVGD: "Class C0". The serine amino acid residue is found in multiple mammalian species, suggesting that this missense change does not adversely affect protein function. These predictions have not been confirmed by published functional studies and their clinical significance is uncertain. This variant has not been reported in the literature in individuals with CSF3R-related conditions. This variant is not present in population databases (ExAC no frequency). This sequence change replaces glycine with serine at codon 671 of the CSF3R protein (p.Gly671Ser). The glycine residue is moderately conserved and there is a small physicochemical difference between glycine and serine.